The following is an entry in ClinVar:

ClinVar aggregate classification (germline): Uncertain significance. Review status: criteria provided, multiple submitters, no conflicts (2 of 4 stars). 2 submissions from 2 submitters: Uncertain significance (2). Last evaluated 2025-11-05.

Conditions:
Hereditary cancer-predisposing syndrome. Also called: Neoplastic Syndromes, Hereditary; Hereditary Cancer Syndrome; Tumor predisposition; Hereditary neoplastic syndrome. Identifiers: Orphanet 140162, MedGen C0027672, MeSH D009386, MONDO:0015356.

Submissions (2):

Labcorp Genetics (formerly Invitae), Labcorp
Classification: Uncertain significance. Last evaluated: 2025-11-05. Review status: criteria provided, single submitter. Criteria: Invitae Variant Classification Sherloc (09022015). Collection method: clinical testing. Allele origin: germline.
Comment: This sequence change replaces proline, which is neutral and non-polar, with serine, which is neutral and polar, at codon 193 of the HOXB13 protein (p.Pro193Ser). This variant is not present in population databases (gnomAD no frequency). This variant has not been reported in the literature in individuals affected with HOXB13-related conditions. ClinVar contains an entry for this variant (Variation ID: 1476085). Invitae Evidence Modeling of protein sequence and biophysical properties (such as structural, functional, and spatial information, amino acid conservation, physicochemical variation, residue mobility, and thermodynamic stability) indicates that this missense variant is not expected to disrupt HOXB13 protein function with a negative predictive value of 80%. In summary, the available evidence is currently insufficient to determine the role of this variant in disease. Therefore, it has been classified as a Variant of Uncertain Significance.

Ambry Genetics
Classification: Uncertain significance for Hereditary cancer-predisposing syndrome. Last evaluated: 2024-11-08. Review status: criteria provided, single submitter. Criteria: Ambry Variant Classification Scheme 2023. Collection method: clinical testing. Allele origin: germline.
Comment: The p.P193S variant (also known as c.577C>T), located in coding exon 1 of the HOXB13 gene, results from a C to T substitution at nucleotide position 577. The proline at codon 193 is replaced by serine, an amino acid with similar properties. This amino acid position is not well conserved in available vertebrate species. In addition, this alteration is predicted to be tolerated by in silico analysis. Based on the available evidence, the clinical significance of this variant remains unclear.

NM_006361.6(HOXB13):c.577C>T (p.Pro193Ser)

Gene: HOXB13 (homeobox B13; minus strand). Cytogenetic location: 17q21.32.
Variant type: single nucleotide variant.
Coding change: c.577C>T on transcript NM_006361.6 (MANE Select); coding-DNA position 577, C replaced by T.
Protein change: p.Pro193Ser; replaces proline 193 with serine.
Molecular consequence: missense variant.
Genome position (GRCh38, 1-based): chr17:48,728,017, G>A on the plus strand (C>T on the coding strand, the complement: HOXB13 is on the minus strand). VCF-style: chr17-48728017-G-A. GRCh37 (hg19) VCF-style: chr17-46805379-G-A.
Other names: c.577C>T (NM_006361.5); short protein forms P193S.
Identifiers: ClinVar variation 1476085 (VCV001476085.7), dbSNP rs868133556, ClinGen allele CA291350157.
Genomic context (GRCh38, chr17:48,728,017, plus strand): 5'-GCTCAGAGACAAGGGGACCCAGGGTAATAGAGGTACCTGCAAATGCTGCCTTCCAAAAGG[G>A]ACCTGGTGGGTTCTGTTCTCCCTGGCAACACATCTGGCTGTTCCAGCCACCAGCGAGAGC-3'
Protein context (NP_006352.2, residues 183-203): CCQGEQNPPG[Pro193Ser]FWKAAFADSS